The following is an entry in ClinVar:

NC_000005.10:g.(?_70951941)_(70951991_?)del

Gene: SMN1 (survival of motor neuron 1, telomeric). Cytogenetic location: 5q13.2.
Variant type: Deletion.
Identifiers: ClinVar variation 3338271 (VCV003338271.1).

ClinVar aggregate classification (germline): Pathogenic (0 of 4 stars; one submission).

Conditions:
Spinal muscular atrophy (SMA). Identifiers: MedGen C0026847, MeSH D009134, MONDO:0001516, HP:0007269.

Submission:

Department of Medical Genetics, Capital Institute of Pediatrics
Classification: Pathogenic for Spinal muscular atrophy. Last evaluated: 2021-09-09. Review status: no assertion criteria provided. Collection method: research. Allele origin: germline. Affected: yes. Observed: 123 variant alleles.
Comment: This variant is a whole deletion of the exon 8 (conventionally referred to as exon 7 ) of the SMN1 genomic sequence. This variant is used to indicate a whole-gene deletion of SMN1,for 99.9% sequence homology between SMN1 and SMN2. Approximately 90- 96.4% of patients with spinal muscular atrophy (SMA) carry a homozygous states of this variant in SMN1 gene, and a heterozygous state of this variant in one SMN1 allele alongside an intragenic pathogenic variant in another SMN1 allele is responsible for the SMA in the remaining 3.6–6.3% of patients (PMID: 10679938,19050931,27425821). For these reasons, this variant has been classified as Pathogenic.